The following is an entry in ClinVar:

NM_003954.5(MAP3K14):c.2552C>T (p.Pro851Leu)

Genes: MAP3K14-AS1 (MAP3K14 antisense RNA 1; plus strand), MAP3K14 (mitogen-activated protein kinase kinase kinase 14; minus strand). Cytogenetic location: 17q21.31.
Variant type: single nucleotide variant.
Coding change: c.2552C>T on transcript NM_003954.5 (MANE Select); coding-DNA position 2552, C replaced by T.
Protein change: p.Pro851Leu; replaces proline 851 with leucine.
Molecular consequence: missense variant.
Genome position (GRCh38, 1-based): chr17:45,266,563, G>A on the plus strand (C>T on the coding strand, the complement: MAP3K14 is on the minus strand). VCF-style: chr17-45266563-G-A. GRCh37 (hg19) VCF-style: chr17-43343930-G-A.
Other names: short protein forms P851L.
Identifiers: ClinVar variation 4728117 (VCV004728117.1).

ClinVar aggregate classification (germline): Uncertain significance (1 of 4 stars; one submission).

Conditions:
NIK deficiency. Also called: Primary immunodeficiency with multifaceted aberrant lymphoid immunity. Identifiers: Orphanet 447731, MedGen C5680065, MONDO:0018642.

Submission:

Labcorp Genetics (formerly Invitae), Labcorp
Classification: Uncertain significance for NIK deficiency. Last evaluated: 2025-12-02. Review status: criteria provided, single submitter. Criteria: Invitae Variant Classification Sherloc (09022015). Collection method: clinical testing. Allele origin: germline.
Comment: This sequence change replaces proline, which is neutral and non-polar, with leucine, which is neutral and non-polar, at codon 851 of the MAP3K14 protein (p.Pro851Leu). This variant is not present in population databases (gnomAD no frequency). This variant has not been reported in the literature in individuals affected with MAP3K14-related conditions. Experimental studies and prediction algorithms are not available or were not evaluated, and the functional significance of this variant is currently unknown. In summary, the available evidence is currently insufficient to determine the role of this variant in disease. Therefore, it has been classified as a Variant of Uncertain Significance.